The following is an entry in ClinVar:

NM_005529.7(HSPG2):c.10982G>A (p.Arg3661Gln)

Gene: HSPG2 (heparan sulfate proteoglycan 2; minus strand). Cytogenetic location: 1p36.12.
Variant type: single nucleotide variant.
Coding change: c.10982G>A on transcript NM_005529.7 (MANE Select); coding-DNA position 10982, G replaced by A.
Protein change: p.Arg3661Gln; replaces arginine 3661 with glutamine.
Molecular consequence: missense variant.
Genome position (GRCh38, 1-based): chr1:21,833,381, C>T on the plus strand (G>A on the coding strand, the complement: HSPG2 is on the minus strand). VCF-style: chr1-21833381-C-T. GRCh37 (hg19) VCF-style: chr1-22159874-C-T.
Other names: c.10985G>A, p.Arg3662Gln (NM_001291860.2); short protein forms R3661Q, R3662Q.
Identifiers: ClinVar variation 2733857 (VCV002733857.1), dbSNP rs1271545054, ClinGen allele CA338906848.
Genomic context (GRCh38, chr1:21,833,381, plus strand): 5'-TCCTTGATGGTGGGCAGCGGTAGGAAGGAGTAGGGGGTCTGCGTGAAGTAGGGCACCACC[C>T]GCTCTGCCAGCAGAGAGCACAGCTGAAGACCCTGCCAGTCAGGGAGTGGGCAGGGCACTG-3'
Protein context (NP_005520.4, residues 3651-3671): KAFAHLQVPE[Arg3661Gln]VVPYFTQTPY

ClinVar aggregate classification (germline): Pathogenic (1 of 4 stars; one submission).

Allele frequency attached by ClinVar (database versions not stated): gnomAD exomes below 0.00001; TOPMed below 0.00001.
gnomAD v4.1: 3 of 1,614,124 alleles (0.00019%); highest among the groups gnomAD compares: South Asian, 0.0011%; no homozygotes.

Submission:

Labcorp Genetics (formerly Invitae), Labcorp
Classification: Pathogenic. Last evaluated: 2023-01-31. Review status: criteria provided, single submitter. Criteria: Invitae Variant Classification Sherloc (09022015). Collection method: clinical testing. Allele origin: germline.
Comment: For these reasons, this variant has been classified as Pathogenic. Studies have shown that this missense change is associated with altered splicing resulting in multiple RNA products (PMID: 16927315). Algorithms developed to predict the effect of missense changes on protein structure and function are either unavailable or do not agree on the potential impact of this missense change (SIFT: "Tolerated"; PolyPhen-2: "Possibly Damaging"; Align-GVGD: "Class C0"). This missense change has been observed in individual(s) with Schwartz-Jampel syndrome type 1 (PMID: 16927315). In at least one individual the data is consistent with being in trans (on the opposite chromosome) from a pathogenic variant. This variant is present in population databases (no rsID available, gnomAD 0.0009%). This sequence change replaces arginine, which is basic and polar, with glutamine, which is neutral and polar, at codon 3661 of the HSPG2 protein (p.Arg3661Gln).

Literature cited by the submitters: PubMed 16927315.